The following is an entry in ClinVar:

ClinVar aggregate classification (germline): Uncertain significance (1 of 4 stars; one submission).

Conditions:
Inborn genetic diseases. Identifiers: MedGen C0950123, MeSH D030342.

Submission:

Ambry Genetics
Classification: Uncertain significance for Inborn genetic diseases. Last evaluated: 2026-01-03. Review status: criteria provided, single submitter. Criteria: Ambry Variant Classification Scheme 2023. Collection method: clinical testing. Allele origin: germline.
Comment: The p.K675E variant (also known as c.2023A>G), located in coding exon 20 of the ANKRD26 gene, results from an A to G substitution at nucleotide position 2023. The lysine at codon 675 is replaced by glutamic acid, an amino acid with similar properties. This amino acid position is conserved. In addition, this alteration is predicted to be tolerated by in silico analysis. Based on the available evidence, the clinical significance of this variant remains unclear.

NM_014915.3(ANKRD26):c.2023A>G (p.Lys675Glu)

Gene: ANKRD26 (ankyrin repeat domain 26; minus strand). Cytogenetic location: 10p12.1.
Variant type: single nucleotide variant.
Coding change: c.2023A>G on transcript NM_014915.3 (MANE Select); coding-DNA position 2023, A replaced by G.
Protein change: p.Lys675Glu; replaces lysine 675 with glutamic acid.
Molecular consequence: missense variant.
Genome position (GRCh38, 1-based): chr10:27,043,564, T>C on the plus strand (A>G on the coding strand, the complement: ANKRD26 is on the minus strand). VCF-style: chr10-27043564-T-C. GRCh37 (hg19) VCF-style: chr10-27332493-T-C.
Other names: c.2020A>G, p.Lys674Glu (NM_001256053.2); short protein forms K675E, K674E.
Identifiers: ClinVar variation 4842359 (VCV004842359.1).